The following is an entry in ClinVar:

ClinVar aggregate classification (germline): Uncertain significance (1 of 4 stars; one submission).

Conditions:
Arrhythmogenic cardiomyopathy with wooly hair and keratoderma. Also called: Arrhythmogenic cardiomyopathy with woolly hair and keratoderma; Dilated cardiomyopathy with woolly hair and keratoderma; PALMOPLANTAR KERATODERMA WITH LEFT VENTRICULAR CARDIOMYOPATHY AND WOOLLY HAIR; Carvajal syndrome. Identifiers: Orphanet 65282, MedGen C1854063, MONDO:0011581, OMIM 605676.
Arrhythmogenic right ventricular dysplasia 8 (ARVD8). Also called: Arrhythmogenic Right Ventricular Dysplasia/Cardiomyopathy 8; ARRHYTHMOGENIC RIGHT VENTRICULAR DYSPLASIA, FAMILIAL, 8; ARRHYTHMOGENIC RIGHT VENTRICULAR CARDIOMYOPATHY 8. Identifiers: MedGen C1843896, MONDO:0011831, OMIM 607450.

Allele frequency attached by ClinVar (database versions not stated): TOPMed below 0.00001; gnomAD 0.00001.

Submission:

Labcorp Genetics (formerly Invitae), Labcorp
Classification: Uncertain significance for Arrhythmogenic cardiomyopathy with wooly hair and keratoderma; Arrhythmogenic right ventricular dysplasia 8. Last evaluated: 2025-12-01. Review status: criteria provided, single submitter. Criteria: Invitae Variant Classification Sherloc (09022015). Collection method: clinical testing. Allele origin: germline.
Comment: This sequence change falls in intron 10 of the DSP gene. It does not directly change the encoded amino acid sequence of the DSP protein. It affects a nucleotide within the consensus splice site. This variant is not present in population databases (gnomAD no frequency). This variant has not been reported in the literature in individuals affected with DSP-related conditions. ClinVar contains an entry for this variant (Variation ID: 2929429). Variants that disrupt the consensus splice site are a relatively common cause of aberrant splicing (PMID: 17576681, 9536098). Algorithms developed to predict the effect of sequence changes on RNA splicing suggest that this variant may disrupt the consensus splice site. In summary, the available evidence is currently insufficient to determine the role of this variant in disease. Therefore, it has been classified as a Variant of Uncertain Significance.

Literature cited by the submitters: PubMed 17576681; PubMed 9536098.

NM_004415.4(DSP):c.1266+3A>G

Gene: DSP (desmoplakin; plus strand). Cytogenetic location: 6p24.3.
Variant type: single nucleotide variant.
Coding change: c.1266+3A>G on transcript NM_004415.4 (MANE Select); 3 bases into the intron after coding-DNA position 1266, A replaced by G.
Molecular consequence: intron variant.
Genome position (GRCh38, 1-based): chr6:7,567,909, A>G. VCF-style: chr6-7567909-A-G. GRCh37 (hg19) VCF-style: chr6-7568142-A-G.
Other names: c.1266+3A>G (NM_001319034.2, NM_001008844.3, NM_001406591.1).
Identifiers: ClinVar variation 2929429 (VCV002929429.2), dbSNP rs1254602945, ClinGen allele CA828076437.